The following is an entry in ClinVar:

NM_000455.5(STK11):c.429dup (p.Pro144fs)

Gene: STK11 (serine/threonine kinase 11; plus strand). Cytogenetic location: 19p13.3.
Variant type: Duplication.
Coding change: c.429dup on transcript NM_000455.5 (MANE Select); coding-DNA position 429, one base duplicated (G; older notation c.429dupG).
Protein change: p.Pro144fs; shifts the reading frame from proline 144.
Molecular consequence: frameshift variant. On other transcripts: non-coding transcript variant (1).
Genome position (GRCh38, 1-based): chr19:1,219,378, G duplicated. VCF-style (leftmost placement, unchanged base first): chr19-1219377-T-TG. GRCh37 (hg19) VCF-style: chr19-1219376-T-TG.
Other names: c.429dup, p.Pro144fs (NM_001407255.1); short protein forms P144fs.
Identifiers: ClinVar variation 3600329 (VCV003600329.1).

ClinVar aggregate classification (germline): Pathogenic (1 of 4 stars; one submission).

Conditions:
Peutz-Jeghers syndrome (PJS). Also called: Peutz-Jeghers polyposis; Periorificial lentiginosis syndrome; POLYPOSIS, HAMARTOMATOUS INTESTINAL; POLYPS-AND-SPOTS SYNDROME. Identifiers: Orphanet 2869, MedGen C0031269, MeSH D010580, MONDO:0008280, OMIM 175200.

Submission:

Department of Clinical Genetics, Copenhagen University Hospital, Rigshospitalet
Classification: Pathogenic for Peutz-Jeghers syndrome. Last evaluated: 2025-01-10. Review status: criteria provided, single submitter. Criteria: ACMG Guidelines, 2015. Collection method: clinical testing. Allele origin: germline. Affected: yes.
Comment: The following ACMG criteria was used: PVS1; PM2_SUP; PS4_SUP

Literature cited by the submitters: PubMed 37017260.